The following is an entry in ClinVar:

ClinVar aggregate classification (germline): Benign/Likely benign. Review status: criteria provided, multiple submitters, no conflicts (2 of 4 stars). 2 submissions from 2 submitters: Benign (1); Likely benign (1). Last evaluated 2023-03-01.

Allele frequency attached by ClinVar (database versions not stated): 1000 Genomes Project 0.00040; 1000 Genomes Project 30x 0.00078; TOPMed 0.00119; gnomAD exomes 0.00143 and 0.00208; gnomAD 0.00149 and 0.00154; ExAC 0.00183; ESP Exome Variant Server 0.00183.

Submissions (2):

CeGaT Center for Human Genetics Tuebingen
Classification: Likely benign. Last evaluated: 2023-03-01. Review status: criteria provided, single submitter. Criteria: CeGaT Center For Human Genetics Tuebingen Variant Classification Criteria Version 2. Collection method: clinical testing. Allele origin: germline. Affected: yes. Observed: 1 variant allele.
Comment: MAP1A: BP4, BP7

Labcorp Genetics (formerly Invitae), Labcorp
Classification: Benign. Last evaluated: 2018-01-02. Review status: criteria provided, single submitter. Criteria: Invitae Variant Classification Sherloc (09022015). Collection method: clinical testing. Allele origin: germline.

NM_002373.6(MAP1A):c.1446A>G (p.Gly482=)

Gene: MAP1A (microtubule associated protein 1A; plus strand). Cytogenetic location: 15q15.3.
Variant type: single nucleotide variant.
Coding change: c.1446A>G on transcript NM_002373.6 (MANE Select); coding-DNA position 1446, A replaced by G.
Protein change: p.Gly482=; no amino-acid change (glycine 482 retained).
Molecular consequence: synonymous variant.
Genome position (GRCh38, 1-based): chr15:43,522,919, A>G. VCF-style: chr15-43522919-A-G. GRCh37 (hg19) VCF-style: chr15-43815117-A-G.
Identifiers: ClinVar variation 717737 (VCV000717737.27), dbSNP rs55941117, ClinGen allele CA7526091.